The following is an entry in ClinVar:

NM_000701.8(ATP1A1):c.1509C>T (p.His503=)

Genes: ATP1A1 (ATPase Na+/K+ transporting subunit alpha 1; plus strand), ATP1A1-AS1 (ATP1A1 antisense RNA 1; minus strand). Cytogenetic location: 1p13.1.
Variant type: single nucleotide variant.
Coding change: c.1509C>T on transcript NM_000701.8 (MANE Select); coding-DNA position 1509, C replaced by T.
Protein change: p.His503=; no amino-acid change (histidine 503 retained).
Molecular consequence: synonymous variant.
Genome position (GRCh38, 1-based): chr1:116,393,572, C>T. VCF-style: chr1-116393572-C-T. GRCh37 (hg19) VCF-style: chr1-116936194-C-T.
Other names: c.1509C>T (NM_000701.7); c.1509C>T, p.His503= (NM_001160233.2); c.1416C>T, p.His472= (NM_001160234.2).
Identifiers: ClinVar variation 1609696 (VCV001609696.15), dbSNP rs144872101, ClinGen allele CA1025345.

ClinVar aggregate classification (germline): Benign/Likely benign. Review status: criteria provided, multiple submitters, no conflicts (2 of 4 stars). 4 submissions from 4 submitters: Benign (1); Likely benign (2). 1 of the submissions does not count toward it. Last evaluated 2026-01-04.

Conditions:
ATP1A1-related disorder. Also called: ATP1A1-related condition.

Allele frequency attached by ClinVar (database versions not stated): ExAC 0.00026; gnomAD 0.00056 and 0.00057; TOPMed 0.00065; ESP Exome Variant Server 0.00092; 1000 Genomes Project 30x 0.00125; 1000 Genomes Project 0.00140.
gnomAD v4.1: 185 of 1,614,118 alleles (0.011%); highest among the groups gnomAD compares: African/African-American, 0.22%; 1 homozygote.

Submissions (4):

Labcorp Genetics (formerly Invitae), Labcorp
Classification: Benign. Last evaluated: 2026-01-04. Review status: criteria provided, single submitter. Criteria: Invitae Variant Classification Sherloc (09022015). Collection method: clinical testing. Allele origin: germline.

CeGaT Center for Human Genetics Tuebingen
Classification: Likely benign. Last evaluated: 2025-12-01. Review status: criteria provided, single submitter. Criteria: CeGaT Center For Human Genetics Tuebingen Variant Classification Criteria Version 2. Collection method: clinical testing. Allele origin: germline. Affected: yes. Observed: 1 variant allele.
Comment: ATP1A1: BP4, BP7, BS1

Blueprint Genetics
Classification: Likely benign. Last evaluated: 2021-04-09. Review status: criteria provided, single submitter. Criteria: ACMG Guidelines, 2015. Collection method: clinical testing. Allele origin: germline.

PreventionGenetics, part of Exact Sciences
Classification: Likely benign for ATP1A1-related condition. Last evaluated: 2024-06-24. Review status: no assertion criteria provided. Collection method: clinical testing. Allele origin: germline. Not counted in ClinVar's aggregate classification.
Comment: This variant is classified as likely benign based on ACMG/AMP sequence variant interpretation guidelines (Richards et al. 2015 PMID: 25741868, with internal and published modifications).